The following is an entry in ClinVar:

ClinVar aggregate classification (germline): Likely benign. Review status: criteria provided, multiple submitters, no conflicts (2 of 4 stars). 2 submissions from 2 submitters: Likely benign (2). Last evaluated 2025-03-19.

Conditions:
CC2D2A-related disorder. Also called: CC2D2A-related disorders; CC2D2A-related condition. Identifiers: MedGen CN239313.
Joubert syndrome. Also called: JOUBERT-BOLTSHAUSER SYNDROME; Familial aplasia of the vermis. Identifiers: Orphanet 475, MedGen C5979921, MONDO:0018772.
Meckel-Gruber syndrome. Also called: DYSENCEPHALIA SPLANCHNOCYSTICA; GRUBER SYNDROME; Dysencephalia splachnocystica. Identifiers: Orphanet 564, MedGen C0265215, MONDO:0018921.

Submissions (2):

PreventionGenetics, part of Exact Sciences
Classification: Likely benign for CC2D2A-related condition. Last evaluated: 2025-03-19. Review status: criteria provided, single submitter. Criteria: ACMG Guidelines, 2015. Collection method: clinical testing. Allele origin: germline.
Comment: This variant is classified as likely benign based on ACMG/AMP sequence variant interpretation guidelines (Richards et al. 2015 PMID: 25741868, with internal and published modifications).

Labcorp Genetics (formerly Invitae), Labcorp
Classification: Likely benign for Joubert syndrome; Meckel-Gruber syndrome. Last evaluated: 2022-08-31. Review status: criteria provided, single submitter. Criteria: Invitae Variant Classification Sherloc (09022015). Collection method: clinical testing. Allele origin: germline.

NM_001378615.1(CC2D2A):c.3519A>T (p.Gly1173=)

Genes: CC2D2A (coiled-coil and C2 domain containing 2A; plus strand), FBXL5 (F-box and leucine rich repeat protein 5; minus strand). Cytogenetic location: 4p15.32.
Variant type: single nucleotide variant.
Coding change: c.3519A>T on transcript NM_001378615.1 (MANE Select); coding-DNA position 3519, A replaced by T.
Protein change: p.Gly1173=; no amino-acid change (glycine 1173 retained).
Molecular consequence: synonymous variant.
Genome position (GRCh38, 1-based): chr4:15,570,421, A>T. VCF-style: chr4-15570421-A-T. GRCh37 (hg19) VCF-style: chr4-15572044-A-T.
Other names: c.3519A>T, p.Gly1173= (NM_001080522.2); c.3372A>T, p.Gly1124= (NM_001378617.1).
Identifiers: ClinVar variation 1501569 (VCV001501569.9), dbSNP rs2109073915, ClinGen allele CA438389088.